The following is an entry in ClinVar:

NM_015178.3(RHOBTB2):c.1789G>A (p.Gly597Arg)

Gene: RHOBTB2 (Rho related BTB domain containing 2; plus strand). Cytogenetic location: 8p21.3.
Variant type: single nucleotide variant.
Coding change: c.1789G>A on transcript NM_015178.3 (MANE Select); coding-DNA position 1789, G replaced by A.
Protein change: p.Gly597Arg; replaces glycine 597 with arginine.
Molecular consequence: missense variant.
Genome position (GRCh38, 1-based): chr8:23,014,707, G>A. VCF-style: chr8-23014707-G-A. GRCh37 (hg19) VCF-style: chr8-22872220-G-A.
Other names: c.1855G>A, p.Gly619Arg (NM_001160036.2); c.1810G>A, p.Gly604Arg (NM_001160037.2); c.1789G>A, p.Gly597Arg (NM_001374791.1); c.1855G>A (NM_001160036.1); short protein forms G597R, G619R, G604R.
Identifiers: ClinVar variation 1359870 (VCV001359870.7), dbSNP rs777124605, ClinGen allele CA4672779.
Genomic context (GRCh38, chr8:23,014,707, plus strand): 5'-GTCATGTGCTTCTTCAGCTGATTGGTGGCCGTGTGTGTTACAGAGCAGTACACAGTGACC[G>A]GGCTGATGGAAGCGACCCAGATGATGGTGGACATCGATGGGGACGTCCTTGTGTTCCTGG-3'
Protein context (NP_055993.2, residues 587-607): VALTEQYTVT[Gly597Arg]LMEATQMMVD

ClinVar aggregate classification (germline): Conflicting classifications of pathogenicity. Review status: criteria provided, conflicting classifications (1 of 4 stars). 2 submissions from 2 submitters: Uncertain significance (1); Likely benign (1). Last evaluated 2023-02-15.

Conditions:
Inborn genetic diseases. Identifiers: MedGen C0950123, MeSH D030342.

Allele frequency attached by ClinVar (database versions not stated): ExAC 0.00001; gnomAD 0.00001; TOPMed 0.00002; gnomAD exomes 0.00003.
gnomAD v4.1: 41 of 1,613,978 alleles (0.0025%); highest among the groups gnomAD compares: Admixed American, 0.0033%; no homozygotes.

Submissions (2):

Ambry Genetics
Classification: Likely benign for Inborn genetic diseases. Last evaluated: 2023-02-15. Review status: criteria provided, single submitter. Criteria: Ambry Variant Classification Scheme 2023. Collection method: clinical testing. Allele origin: germline.

Labcorp Genetics (formerly Invitae), Labcorp
Classification: Uncertain significance. Last evaluated: 2022-10-03. Review status: criteria provided, single submitter. Criteria: Invitae Variant Classification Sherloc (09022015). Collection method: clinical testing. Allele origin: germline.
Comment: In summary, the available evidence is currently insufficient to determine the role of this variant in disease. Therefore, it has been classified as a Variant of Uncertain Significance. Advanced modeling of protein sequence and biophysical properties (such as structural, functional, and spatial information, amino acid conservation, physicochemical variation, residue mobility, and thermodynamic stability) performed at Invitae indicates that this missense variant is not expected to disrupt RHOBTB2 protein function. ClinVar contains an entry for this variant (Variation ID: 1359870). This variant has not been reported in the literature in individuals affected with RHOBTB2-related conditions. This variant is present in population databases (rs777124605, gnomAD 0.006%). This sequence change replaces glycine, which is neutral and non-polar, with arginine, which is basic and polar, at codon 619 of the RHOBTB2 protein (p.Gly619Arg).